The following is an entry in ClinVar:

ClinVar aggregate classification (germline): Uncertain significance (1 of 4 stars; one submission).

Conditions:
Perlman syndrome (PRLMNS). Identifiers: Orphanet 2849, MedGen C0796113, MONDO:0009965, OMIM 267000.

Submission:

Labcorp Genetics (formerly Invitae), Labcorp
Classification: Uncertain significance for Perlman syndrome. Last evaluated: 2025-08-18. Review status: criteria provided, single submitter. Criteria: Invitae Variant Classification Sherloc (09022015). Collection method: clinical testing. Allele origin: germline.
Comment: This sequence change replaces serine, which is neutral and polar, with isoleucine, which is neutral and non-polar, at codon 322 of the DIS3L2 protein (p.Ser322Ile). This variant is not present in population databases (gnomAD no frequency). This variant has not been reported in the literature in individuals affected with DIS3L2-related conditions. ClinVar contains an entry for this variant (Variation ID: 531917). Invitae Evidence Modeling of protein sequence and biophysical properties (such as structural, functional, and spatial information, amino acid conservation, physicochemical variation, residue mobility, and thermodynamic stability) indicates that this missense variant is not expected to disrupt DIS3L2 protein function with a negative predictive value of 80%. In summary, the available evidence is currently insufficient to determine the role of this variant in disease. Therefore, it has been classified as a Variant of Uncertain Significance.

NM_152383.5(DIS3L2):c.965G>T (p.Ser322Ile)

Gene: DIS3L2 (DIS3 like 3'-5' exoribonuclease 2; plus strand). Cytogenetic location: 2q37.1.
Variant type: single nucleotide variant.
Coding change: c.965G>T on transcript NM_152383.5 (MANE Select); coding-DNA position 965, G replaced by T.
Protein change: p.Ser322Ile; replaces serine 322 with isoleucine.
Molecular consequence: missense variant. On other transcripts: non-coding transcript variant (2).
Genome position (GRCh38, 1-based): chr2:232,163,473, G>T. VCF-style: chr2-232163473-G-T. GRCh37 (hg19) VCF-style: chr2-233028183-G-T.
Other names: c.965G>T, p.Ser322Ile (NM_001257281.2); short protein forms S322I.
Identifiers: ClinVar variation 531917 (VCV000531917.6), dbSNP rs1553612374, ClinGen allele CA351154185.